The following is an entry in ClinVar:

NM_017534.6(MYH2):c.3720T>A (p.Asn1240Lys)

Genes: MYH2 (myosin heavy chain 2; minus strand), MYHAS (myosin heavy chain gene cluster antisense RNA; plus strand). Cytogenetic location: 17p13.1.
Variant type: single nucleotide variant.
Coding change: c.3720T>A on transcript NM_017534.6 (MANE Select); coding-DNA position 3720, T replaced by A.
Protein change: p.Asn1240Lys; replaces asparagine 1240 with lysine.
Molecular consequence: missense variant.
Genome position (GRCh38, 1-based): chr17:10,528,714, A>T on the plus strand (T>A on the coding strand, the complement: MYH2 is on the minus strand). VCF-style: chr17-10528714-A-T. GRCh37 (hg19) VCF-style: chr17-10432031-A-T.
Other names: c.3720T>A, p.Asn1240Lys (NM_001100112.2); short protein forms N1240K.
Identifiers: ClinVar variation 1710614 (VCV001710614.6), dbSNP rs2073384784, ClinGen allele CA398132416.

ClinVar aggregate classification (germline): Uncertain significance. Review status: criteria provided, multiple submitters, no conflicts (2 of 4 stars). 2 submissions from 2 submitters: Uncertain significance (2). Last evaluated 2024-12-17.

Conditions:
Myopathy, proximal, and ophthalmoplegia (CMYO6). Also called: INCLUSION BODY MYOPATHY 3, AUTOSOMAL DOMINANT; MYOPATHY WITH CONGENITAL JOINT CONTRACTURES, OPHTHALMOPLEGIA, AND RIMMED VACUOLES; CONGENITAL MYOPATHY 6 WITH OPHTHALMOPLEGIA. Identifiers: Orphanet 363677, Orphanet 79091, MedGen C1854106, MONDO:0011577, OMIM 605637.

Allele frequency attached by ClinVar (database versions not stated): gnomAD exomes 0.00001.

Submissions (2):

GeneDx
Classification: Uncertain significance. Last evaluated: 2024-12-17. Review status: criteria provided, single submitter. Criteria: GeneDx Variant Classification Process June 2021. Collection method: clinical testing. Allele origin: germline. Affected: yes.
Comment: Not observed at significant frequency in large population cohorts (gnomAD); In silico analysis supports that this missense variant has a deleterious effect on protein structure/function; Has not been previously published as pathogenic or benign to our knowledge

Labcorp Genetics (formerly Invitae), Labcorp
Classification: Uncertain significance for Myopathy, proximal, and ophthalmoplegia. Last evaluated: 2023-06-04. Review status: criteria provided, single submitter. Criteria: Invitae Variant Classification Sherloc (09022015). Collection method: clinical testing. Allele origin: germline.
Comment: This sequence change replaces asparagine, which is neutral and polar, with lysine, which is basic and polar, at codon 1240 of the MYH2 protein (p.Asn1240Lys). This variant is not present in population databases (gnomAD no frequency). This variant has not been reported in the literature in individuals affected with MYH2-related conditions. ClinVar contains an entry for this variant (Variation ID: 1710614). Advanced modeling of protein sequence and biophysical properties (such as structural, functional, and spatial information, amino acid conservation, physicochemical variation, residue mobility, and thermodynamic stability) performed at Invitae indicates that this missense variant is expected to disrupt MYH2 protein function. In summary, the available evidence is currently insufficient to determine the role of this variant in disease. Therefore, it has been classified as a Variant of Uncertain Significance.